The following is an entry in ClinVar:

NM_005228.5(EGFR):c.2311_2319dup (p.Asn771_His773dup)

Genes: EGFR (epidermal growth factor receptor; plus strand), EGFR-AS1 (EGFR antisense RNA 1; minus strand). Cytogenetic location: 7p11.2.
Variant type: Duplication.
Coding change: c.2311_2319dup on transcript NM_005228.5 (MANE Select); coding-DNA positions 2311 to 2319, 9 bases duplicated (AACCCCCAC; older notation c.2311_2319dupAACCCCCAC).
Protein change: p.Asn771_His773dup.
Molecular consequence: inframe insertion. On other transcripts: non-coding transcript variant (1).
Genome position (GRCh38, 1-based): chr7:55,181,320-55,181,328, AACCCCCAC duplicated; duplicating any 9 consecutive bases within chr7:55,181,318-55,181,328 gives the same sequence; the c. name uses the placement nearest the transcript's 3' end. VCF-style (leftmost placement, unchanged base first): chr7-55181317-G-GACAACCCCC. GRCh37 (hg19) VCF-style: chr7-55249010-G-GACAACCCCC.
Other names: p.Asn771_His773dup; c.2176_2184dup, p.Asn726_His728dup (NM_001346897.2, NM_001346899.2); c.2311_2319dup, p.Asn771_His773dup (NM_001346898.2); c.2152_2160dup, p.Asn718_His720dup (NM_001346900.2); c.1510_1518dup, p.Asn504_His506dup (NM_001346941.2); c.2309_2317dupACAACCCCC (NM_005228.3); c.2311_2319dupAACCCCCAC (NM_005228.5).
Identifiers: ClinVar variation 177911 (VCV000177911.6), dbSNP rs397517115, ClinGen allele CA180983.

ClinVar aggregate classification (germline): drug response (0 of 4 stars; one submission).
ClinVar aggregate classification (oncogenicity): Oncogenic (1 of 4 stars; one submission).

Conditions:
Tyrosine kinase inhibitor response. Also called: Protein-tyrosine kinase inhibitor response. Identifiers: MedGen CN225347.
Neoplasm. Also called: Neoplasms; Neoplasm (disease); tumor. Identifiers: MedGen C0027651, MeSH D009369, MONDO:0005070, HP:0002664.

Submissions (2):

Center for Genomic Medicine, Rigshospitalet, Copenhagen University Hospital
Classification: Oncogenic for Neoplasm. Last evaluated: 2025-03-04. Review status: criteria provided, single submitter. Criteria: ClinGen/CGC/VICC Guidelines for Oncogenicity, 2022. Collection method: clinical testing. Allele origin: somatic. Affected: yes.

Laboratory for Molecular Medicine, Mass General Brigham Personalized Medicine
Classification: drug response for Tyrosine kinase inhibitor response. Last evaluated: 2012-04-20. Review status: no assertion criteria provided. Collection method: clinical testing. Allele origin: somatic. Observed: 2 variant alleles.
Comment: The duplication in exon 20 of EGFR listed above was detected. Insertions or duplications in this region of EGFR have been associated with resistance to EGFR tyrosine kinase inhibitors in vitro Greulich 2005).

Literature cited by the submitters: PubMed 29533785 (cited by Center for Genomic Medicine, Rigshospitalet, Copenhagen University Hospital); PubMed 29686424 (cited by Center for Genomic Medicine, Rigshospitalet, Copenhagen University Hospital); PubMed 35304574 (cited by Center for Genomic Medicine, Rigshospitalet, Copenhagen University Hospital); PubMed 16187797 (cited by Laboratory for Molecular Medicine, Mass General Brigham Personalized Medicine).